The following is an entry in ClinVar:

Single allele

Gene: GAA (alpha glucosidase; plus strand). Cytogenetic location: 17q25.3.
Variant type: Deletion.
Identifiers: ClinVar variation 5043315 (VCV005043315.1).

ClinVar aggregate classification (germline): Likely pathogenic (1 of 4 stars; one submission).

Conditions:
Glycogen storage disease, type II (IOPD). Also called: POMPE DISEASE, INFANTILE-ONSET; GLYCOGEN STORAGE DISEASE II, INFANTILE-ONSET; ACID ALPHA-GLUCOSIDASE DEFICIENCY, INFANTILE-ONSET; GAA DEFICIENCY, INFANTILE-ONSET; ACID MALTASE DEFICIENCY, INFANTILE-ONSET; CARDIOMEGALIA GLYCOGENICA DIFFUSA. Identifiers: Orphanet 365, MedGen C0017921, MONDO:0009290, OMIM 232300.

Submission:

Kasturba Medical College, Manipal, Kasturba Medical College, Manipal, Manipal Academy of Higher Education, Manipal, India
Classification: Likely pathogenic for Glycogen storage disease, type II. Last evaluated: 2026-08-18. Review status: criteria provided, single submitter. Criteria: ACMG Guidelines, 2015. Collection method: research. Allele origin: biparental. Inheritance: Autosomal recessive inheritance. Affected: yes. Observed: 1 variant allele, 1 homozygote.